The following is an entry in ClinVar:

ClinVar aggregate classification (germline): Uncertain significance (1 of 4 stars; one submission).

gnomAD v4.1: 2 of 1,548,518 alleles (0.00013%); highest among the groups gnomAD compares: Non-Finnish European, 0.00017%; no homozygotes.

Submission:

Labcorp Genetics (formerly Invitae), Labcorp
Classification: Uncertain significance. Last evaluated: 2025-12-15. Review status: criteria provided, single submitter. Criteria: Invitae Variant Classification Sherloc (09022015). Collection method: clinical testing. Allele origin: germline.
Comment: This sequence change replaces valine, which is neutral and non-polar, with leucine, which is neutral and non-polar, at codon 707 of the DIP2C protein (p.Val707Leu). This variant is not present in population databases (gnomAD no frequency). This variant has not been reported in the literature in individuals affected with DIP2C-related conditions. ClinVar contains an entry for this variant (Variation ID: 2785766). An algorithm developed to predict the effect of missense changes on protein structure and function (PolyPhen-2) suggests that this variant is likely to be disruptive. In summary, the available evidence is currently insufficient to determine the role of this variant in disease. Therefore, it has been classified as a Variant of Uncertain Significance.

NM_014974.3(DIP2C):c.2119G>T (p.Val707Leu)

Gene: DIP2C (DIP2 acetate--CoA ligase C (putative); minus strand). Cytogenetic location: 10p15.3.
Variant type: single nucleotide variant.
Coding change: c.2119G>T on transcript NM_014974.3 (MANE Select); coding-DNA position 2119, G replaced by T.
Protein change: p.Val707Leu; replaces valine 707 with leucine.
Molecular consequence: missense variant.
Genome position (GRCh38, 1-based): chr10:369,506, C>A on the plus strand (G>T on the coding strand, the complement: DIP2C is on the minus strand). VCF-style: chr10-369506-C-A. GRCh37 (hg19) VCF-style: chr10-415446-C-A.
Other names: short protein forms V707L.
Identifiers: ClinVar variation 2785766 (VCV002785766.3), dbSNP rs1326148371, ClinGen allele CA375834827.